The following is an entry in ClinVar:

NM_001164508.2(NEB):c.19626T>C (p.Asp6542=)

Genes: NEB (nebulin; minus strand), LOC126806373 (BRD4-independent group 4 enhancer GRCh37_chr2:152410007-152411206; plus strand). Cytogenetic location: 2q23.3.
Variant type: single nucleotide variant.
Coding change: c.19626T>C on transcript NM_001164508.2 (MANE Select); coding-DNA position 19626, T replaced by C.
Protein change: p.Asp6542=; no amino-acid change (aspartic acid 6542 retained).
Molecular consequence: synonymous variant.
Genome position (GRCh38, 1-based): chr2:151,553,828, A>G on the plus strand (T>C on the coding strand, the complement: NEB is on the minus strand). VCF-style: chr2-151553828-A-G. GRCh37 (hg19) VCF-style: chr2-152410342-A-G.
Other names: c.19626T>C, p.Asp6542= (NM_001164507.2, NM_001271208.2); c.14523T>C, p.Asp4841= (NM_004543.5).
Identifiers: ClinVar variation 167329 (VCV000167329.52), dbSNP rs190336010, ClinGen allele CA234322.

ClinVar aggregate classification (germline): Conflicting classifications of pathogenicity. Review status: criteria provided, conflicting classifications (1 of 4 stars). 9 submissions from 9 submitters: Uncertain significance (2); Benign (1); Likely benign (5). 1 of the submissions does not count toward it. Last evaluated 2026-09-01.

Conditions:
Nemaline myopathy 2 (NEM2). Also called: Nemaline myopathy 2, autosomal recessive. Identifiers: MedGen C1850569, MONDO:0009725, OMIM 256030.

Allele frequency attached by ClinVar (database versions not stated): gnomAD exomes 0.00128 and 0.00162; ExAC 0.00133; gnomAD 0.00134 and 0.00140; TOPMed 0.00139; 1000 Genomes Project 0.00140; ESP Exome Variant Server 0.00155; 1000 Genomes Project 30x 0.00156.
gnomAD v4.1: 2,565 of 1,607,176 alleles (0.16%); highest among the groups gnomAD compares: Non-Finnish European, 0.19%; 5 homozygotes.

Submissions (9):

CeGaT Center for Human Genetics Tuebingen
Classification: Likely benign. Last evaluated: 2026-09-01. Review status: criteria provided, single submitter. Criteria: CeGaT Center For Human Genetics Tuebingen Variant Classification Criteria Version 2. Collection method: clinical testing. Allele origin: germline. Affected: yes. Observed: 10 variant alleles.
Comment: NEB: BP4, BP7

Labcorp Genetics (formerly Invitae), Labcorp
Classification: Likely benign for Nemaline myopathy 2. Last evaluated: 2026-01-28. Review status: criteria provided, single submitter. Criteria: Invitae Variant Classification Sherloc (09022015). Collection method: clinical testing. Allele origin: germline.

Blueprint Genetics
Classification: Likely benign. Last evaluated: 2024-11-19. Review status: criteria provided, single submitter. Criteria: ACMG Guidelines, 2015. Collection method: clinical testing. Allele origin: germline.

GeneDx
Classification: Likely benign. Last evaluated: 2021-05-20. Review status: criteria provided, single submitter. Criteria: GeneDx Variant Classification Process June 2021. Collection method: clinical testing. Allele origin: germline. Affected: yes.

Athena Diagnostics
Classification: Benign. Last evaluated: 2021-02-09. Review status: criteria provided, single submitter. Criteria: Athena Diagnostics criteria. Collection method: clinical testing. Allele origin: unknown.

Illumina Laboratory Services, Illumina
Classification: Uncertain significance for Nemaline myopathy 2. Last evaluated: 2018-01-13. Review status: criteria provided, single submitter. Criteria: ICSL Variant Classification Criteria 13 December 2019. Collection method: clinical testing. Allele origin: germline.

Eurofins Ntd Llc (ga)
Classification: Uncertain significance. Last evaluated: 2015-06-10. Review status: criteria provided, single submitter. Criteria: EGL Classification Definitions 2015. Collection method: clinical testing. Allele origin: germline. Observed: 2 variant alleles, 2 heterozygotes.

PreventionGenetics, part of Exact Sciences
Classification: Likely benign. Review status: criteria provided, single submitter. Criteria: ACMG Guidelines, 2015. Collection method: clinical testing. Allele origin: germline.

Natera, Inc.
Classification: Likely benign for Nemaline myopathy type 2. Last evaluated: 2019-11-11. Review status: no assertion criteria provided. Collection method: clinical testing. Allele origin: germline. Not counted in ClinVar's aggregate classification.